The following is an entry in ClinVar:

ClinVar aggregate classification (germline): Uncertain significance (0 of 4 stars; one submission).

Conditions:
PCNT-related disorder. Also called: PCNT-related condition.

gnomAD v4.1: 2 of 1,614,044 alleles (0.00012%); highest among the groups gnomAD compares: Non-Finnish European, 0.00017%; no homozygotes.

Submission:

PreventionGenetics, part of Exact Sciences
Classification: Uncertain significance for PCNT-related condition. Last evaluated: 2024-07-17. Review status: no assertion criteria provided. Collection method: clinical testing. Allele origin: germline.
Comment: The PCNT c.56T>A variant is predicted to result in the amino acid substitution p.Leu19His. To our knowledge, this variant has not been reported in the literature. This variant is reported in 0.0065% of alleles in individuals of European (Non-Finnish) descent in gnomAD. At this time, the clinical significance of this variant is uncertain due to the absence of conclusive functional and genetic evidence.

NM_006031.6(PCNT):c.56T>A (p.Leu19His)

Genes: PCNT (pericentrin; plus strand), LOC128092249 (uncharacterized LOC128092249; plus strand). Cytogenetic location: 21q22.3.
Variant type: single nucleotide variant.
Coding change: c.56T>A on transcript NM_006031.6 (MANE Select); coding-DNA position 56, T replaced by A.
Protein change: p.Leu19His; replaces leucine 19 with histidine.
Molecular consequence: missense variant. On other transcripts: 5 prime UTR variant (1).
Genome position (GRCh38, 1-based): chr21:46,326,378, T>A. VCF-style: chr21-46326378-T-A. GRCh37 (hg19) VCF-style: chr21-47746292-T-A.
Other names: c.91T>A, p.Leu31Met (NM_001414902.1); c.-299T>A (NM_001315529.2); short protein forms L19H, L31M.
Identifiers: ClinVar variation 3349554 (VCV003349554.1).